The following is an entry in ClinVar:

NM_025219.3(DNAJC5):c.70A>C (p.Lys24Gln)

Gene: DNAJC5 (DnaJ heat shock protein family (Hsp40) member C5; plus strand). Cytogenetic location: 20q13.33.
Variant type: single nucleotide variant.
Coding change: c.70A>C on transcript NM_025219.3 (MANE Select); coding-DNA position 70, A replaced by C.
Protein change: p.Lys24Gln; replaces lysine 24 with glutamine.
Molecular consequence: missense variant.
Genome position (GRCh38, 1-based): chr20:63,928,415, A>C. VCF-style: chr20-63928415-A-C. GRCh37 (hg19) VCF-style: chr20-62559768-A-C.
Other names: short protein forms K24Q.
Identifiers: ClinVar variation 2094642 (VCV002094642.4), dbSNP rs1187650085, ClinGen allele CA409715457.

ClinVar aggregate classification (germline): Uncertain significance (1 of 4 stars; one submission).

Conditions:
Neuronal ceroid lipofuscinosis. Also called: Neuronal Ceroid Lipofuscinoses. Identifiers: Orphanet 216, Orphanet 79263, MedGen C0027877, MONDO:0016295. Disease mechanism: loss of function.

Submission:

Labcorp Genetics (formerly Invitae), Labcorp
Classification: Uncertain significance for Neuronal ceroid lipofuscinosis. Last evaluated: 2022-11-14. Review status: criteria provided, single submitter. Criteria: Invitae Variant Classification Sherloc (09022015). Collection method: clinical testing. Allele origin: germline.
Comment: Algorithms developed to predict the effect of missense changes on protein structure and function are either unavailable or do not agree on the potential impact of this missense change (SIFT: "Tolerated"; PolyPhen-2: "Probably Damaging"; Align-GVGD: "Class C0"). In summary, the available evidence is currently insufficient to determine the role of this variant in disease. Therefore, it has been classified as a Variant of Uncertain Significance. This variant has not been reported in the literature in individuals affected with DNAJC5-related conditions. This variant is not present in population databases (gnomAD no frequency). This sequence change replaces lysine, which is basic and polar, with glutamine, which is neutral and polar, at codon 24 of the DNAJC5 protein (p.Lys24Gln).